The following is an entry in ClinVar:

ClinVar aggregate classification (germline): Uncertain significance (1 of 4 stars; one submission).

gnomAD v4.1: 41 of 1,614,026 alleles (0.0025%); highest among the groups gnomAD compares: Non-Finnish European, 0.0034%; no homozygotes.

Submission:

Labcorp Genetics (formerly Invitae), Labcorp
Classification: Uncertain significance. Last evaluated: 2025-03-09. Review status: criteria provided, single submitter. Criteria: Invitae Variant Classification Sherloc (09022015). Collection method: clinical testing. Allele origin: germline.
Comment: This sequence change replaces cysteine, which is neutral and slightly polar, with tyrosine, which is neutral and polar, at codon 1712 of the NALCN protein (p.Cys1712Tyr). This variant is present in population databases (rs766908518, gnomAD 0.002%). This variant has not been reported in the literature in individuals affected with NALCN-related conditions. Invitae Evidence Modeling of protein sequence and biophysical properties (such as structural, functional, and spatial information, amino acid conservation, physicochemical variation, residue mobility, and thermodynamic stability) indicates that this missense variant is not expected to disrupt NALCN protein function with a negative predictive value of 95%. In summary, the available evidence is currently insufficient to determine the role of this variant in disease. Therefore, it has been classified as a Variant of Uncertain Significance.

NM_052867.4(NALCN):c.5135G>A (p.Cys1712Tyr)

Genes: NALCN (sodium leak channel, non-selective; minus strand), NALCN-AS1 (NALCN antisense RNA 1; plus strand). Cytogenetic location: 13q32.3.
Variant type: single nucleotide variant.
Coding change: c.5135G>A on transcript NM_052867.4 (MANE Select); coding-DNA position 5135, G replaced by A.
Protein change: p.Cys1712Tyr; replaces cysteine 1712 with tyrosine.
Molecular consequence: missense variant. On other transcripts: non-coding transcript variant (1).
Genome position (GRCh38, 1-based): chr13:101,055,377, C>T on the plus strand (G>A on the coding strand, the complement: NALCN is on the minus strand). VCF-style: chr13-101055377-C-T. GRCh37 (hg19) VCF-style: chr13-101707729-C-T.
Other names: c.5222G>A, p.Cys1741Tyr (NM_001350748.2); c.5135G>A, p.Cys1712Tyr (NM_001350749.2); c.5048G>A, p.Cys1683Tyr (NM_001350750.2, NM_001350751.2); short protein forms C1683Y, C1712Y, C1741Y.
Identifiers: ClinVar variation 4717121 (VCV004717121.1).